The following is an entry in ClinVar:

NM_000454.5(SOD1):c.443G>A (p.Gly148Asp)

Gene: SOD1 (superoxide dismutase 1; plus strand). Cytogenetic location: 21q22.11.
Variant type: single nucleotide variant.
Coding change: c.443G>A on transcript NM_000454.5 (MANE Select); coding-DNA position 443, G replaced by A.
Protein change: p.Gly148Asp; replaces glycine 148 with aspartic acid.
Molecular consequence: missense variant.
Genome position (GRCh38, 1-based): chr21:31,668,556, G>A. VCF-style: chr21-31668556-G-A. GRCh37 (hg19) VCF-style: chr21-33040869-G-A.
Other names: short protein forms G148D.
Identifiers: ClinVar variation 536142 (VCV000536142.10), dbSNP rs1555836950, ClinGen allele CA410037815.

ClinVar aggregate classification (germline): Pathogenic/Likely pathogenic. Review status: criteria provided, multiple submitters, no conflicts (2 of 4 stars). 3 submissions from 3 submitters: Pathogenic (2); Likely pathogenic (1). Last evaluated 2024-10-04.

Conditions:
SOD1-related disorder. Also called: SOD1-related condition.
Amyotrophic lateral sclerosis type 1 (ALS1). Also called: AMYOTROPHIC LATERAL SCLEROSIS 1, FAMILIAL. Identifiers: Orphanet 803, MedGen C1862939, MONDO:0007103, OMIM 105400.

Submissions (3):

Blueprint Genetics
Classification: Pathogenic for SOD1-related disorders. Last evaluated: 2024-10-04. Review status: criteria provided, single submitter. Criteria: ACMG Guidelines, 2015. Collection method: clinical testing. Allele origin: germline. Affected: yes. Observed: 1 variant allele.

Labcorp Genetics (formerly Invitae), Labcorp
Classification: Pathogenic for Amyotrophic lateral sclerosis type 1. Last evaluated: 2024-01-04. Review status: criteria provided, single submitter. Criteria: Invitae Variant Classification Sherloc (09022015). Collection method: clinical testing. Allele origin: germline.
Comment: This sequence change replaces glycine, which is neutral and non-polar, with aspartic acid, which is acidic and polar, at codon 148 of the SOD1 protein (p.Gly148Asp). This variant is not present in population databases (gnomAD no frequency). This missense change has been observed in individuals with autosomal dominant amyotrophic lateral sclerosis (PMID: 20577002, 25109764, 29895397; Invitae). This variant is also known as p.Gly147Asp. ClinVar contains an entry for this variant (Variation ID: 536142). Advanced modeling of protein sequence and biophysical properties (such as structural, functional, and spatial information, amino acid conservation, physicochemical variation, residue mobility, and thermodynamic stability) performed at Invitae indicates that this missense variant is expected to disrupt SOD1 protein function with a positive predictive value of 95%. Algorithms developed to predict the effect of sequence changes on RNA splicing suggest that this variant may create or strengthen a splice site. This variant disrupts the p.Gly148 amino acid residue in SOD1. Other variant(s) that disrupt this residue have been observed in individuals with SOD1-related conditions (PMID: 24769475), which suggests that this may be a clinically significant amino acid residue. For these reasons, this variant has been classified as Pathogenic.

Athena Diagnostics
Classification: Likely pathogenic. Last evaluated: 2020-03-26. Review status: criteria provided, single submitter. Criteria: Athena Diagnostics Criteria. Collection method: clinical testing. Allele origin: unknown.
Comment: Assessment of experimental evidence regarding the effect of this variant on protein function is inconclusive. Not found in the total gnomAD dataset, and the data is high quality. Predicted to have a damaging effect on the protein. Found in multiple unrelated patients with expected phenotype for this gene.

Literature cited by the submitters: PubMed 20577002 (cited by Labcorp Genetics (formerly Invitae), Labcorp and Athena Diagnostics); PubMed 25109764 (cited by Labcorp Genetics (formerly Invitae), Labcorp and Athena Diagnostics); PubMed 29895397 (cited by Labcorp Genetics (formerly Invitae), Labcorp and Athena Diagnostics); PubMed 24769475 (cited by Labcorp Genetics (formerly Invitae), Labcorp); PubMed 23280792 (cited by Athena Diagnostics); PubMed 23062701 (cited by Athena Diagnostics).